The following is an entry in ClinVar:

NM_024854.5(PYROXD1):c.1198G>C (p.Asp400His)

Gene: PYROXD1 (pyridine nucleotide-disulphide oxidoreductase domain 1; plus strand). Cytogenetic location: 12p12.1.
Variant type: single nucleotide variant.
Coding change: c.1198G>C on transcript NM_024854.5 (MANE Select); coding-DNA position 1198, G replaced by C.
Protein change: p.Asp400His; replaces aspartic acid 400 with histidine.
Molecular consequence: missense variant.
Genome position (GRCh38, 1-based): chr12:21,467,562, G>C. VCF-style: chr12-21467562-G-C. GRCh37 (hg19) VCF-style: chr12-21620496-G-C.
Other names: c.985G>C, p.Asp329His (NM_001350912.2); c.421G>C, p.Asp141His (NM_001350913.2); short protein forms D141H, D329H, D400H.
Identifiers: ClinVar variation 1516961 (VCV001516961.8), dbSNP rs2137292691, ClinGen allele CA384111677.

ClinVar aggregate classification (germline): Uncertain significance (1 of 4 stars; one submission).

Allele frequency attached by ClinVar (database versions not stated): gnomAD exomes below 0.00001.
gnomAD v4.1: 6 of 1,612,350 alleles (0.00037%); highest among the groups gnomAD compares: Non-Finnish European, 0.00051%; no homozygotes.

Submission:

Labcorp Genetics (formerly Invitae), Labcorp
Classification: Uncertain significance. Last evaluated: 2021-05-04. Review status: criteria provided, single submitter. Criteria: Invitae Variant Classification Sherloc (09022015). Collection method: clinical testing. Allele origin: germline.
Comment: In summary, the available evidence is currently insufficient to determine the role of this variant in disease. Therefore, it has been classified as a Variant of Uncertain Significance. Algorithms developed to predict the effect of missense changes on protein structure and function are either unavailable or do not agree on the potential impact of this missense change (SIFT: "Tolerated"; PolyPhen-2: "Possibly Damaging"; Align-GVGD: "Class C0"). This variant has not been reported in the literature in individuals with PYROXD1-related conditions. This variant is not present in population databases (ExAC no frequency). This sequence change replaces aspartic acid with histidine at codon 400 of the PYROXD1 protein (p.Asp400His). The aspartic acid residue is moderately conserved and there is a moderate physicochemical difference between aspartic acid and histidine.